The following is an entry in ClinVar:

ClinVar aggregate classification (germline): Likely benign (1 of 4 stars; one submission).

Allele frequency attached by ClinVar (database versions not stated): gnomAD 0.00006; ESP Exome Variant Server 0.00008; ExAC 0.00009; TOPMed 0.00011.
gnomAD v4.1: 103 of 1,614,190 alleles (0.0064%); highest among the groups gnomAD compares: East Asian, 0.033%; no homozygotes.

Submission:

CeGaT Center for Human Genetics Tuebingen
Classification: Likely benign. Last evaluated: 2022-09-01. Review status: criteria provided, single submitter. Criteria: CeGaT Center For Human Genetics Tuebingen Variant Classification Criteria Version 2. Collection method: clinical testing. Allele origin: germline. Affected: yes. Observed: 1 variant allele.
Comment: GCNT2: BP4, BP7

NM_145649.5(GCNT2):c.926-35284A>G

Gene: GCNT2 (glucosaminyl (N-acetyl) transferase 2 (I blood group); plus strand). Cytogenetic location: 6p24.3.
Variant type: single nucleotide variant.
Coding change: c.926-35284A>G on transcript NM_145649.5 (MANE Select); 35284 bases into the intron before coding-DNA position 926, A replaced by G.
Molecular consequence: intron variant. On other transcripts: synonymous variant (1).
Genome position (GRCh38, 1-based): chr6:10,586,067, A>G. VCF-style: chr6-10586067-A-G. GRCh37 (hg19) VCF-style: chr6-10586300-A-G.
Other names: c.78A>G, p.Gln26= (NM_145655.4); c.926-35284A>G (NM_001374747.1); c.919+28725A>G (NM_001491.3).
Identifiers: ClinVar variation 2656222 (VCV002656222.24), dbSNP rs139386317, ClinGen allele CA3632139.